The following is an entry in ClinVar:

NM_018979.4(WNK1):c.2880T>C (p.Ile960=)

Gene: WNK1 (WNK lysine deficient protein kinase 1; plus strand). Cytogenetic location: 12p13.33.
Variant type: single nucleotide variant.
Coding change: c.2880T>C on transcript NM_018979.4 (MANE Select); coding-DNA position 2880, T replaced by C.
Protein change: p.Ile960=; no amino-acid change (isoleucine 960 retained).
Molecular consequence: synonymous variant. On other transcripts: intron variant (2).
Genome position (GRCh38, 1-based): chr12:880,768, T>C. VCF-style: chr12-880768-T-C. GRCh37 (hg19) VCF-style: chr12-989934-T-C.
Other names: c.3660T>C, p.Ile1220= (NM_001184985.2); c.3868-924T>C (NM_213655.5); c.2371-924T>C (NM_014823.3).
Identifiers: ClinVar variation 3257114 (VCV003257114.17).

ClinVar aggregate classification (germline): Likely benign (1 of 4 stars; one submission).

gnomAD v4.1: 20 of 1,613,922 alleles (0.0012%); highest among the groups gnomAD compares: Middle Eastern, 0.16%; no homozygotes.

Submission:

CeGaT Center for Human Genetics Tuebingen
Classification: Likely benign. Last evaluated: 2024-07-01. Review status: criteria provided, single submitter. Criteria: CeGaT Center For Human Genetics Tuebingen Variant Classification Criteria Version 2. Collection method: clinical testing. Allele origin: germline. Affected: yes. Observed: 1 variant allele.
Comment: WNK1: PM2:Supporting, BP4, BP7